The following is an entry in ClinVar:

ClinVar aggregate classification (germline): Conflicting classifications of pathogenicity. Review status: criteria provided, conflicting classifications (1 of 4 stars). 5 submissions from 5 submitters: Uncertain significance (1); Likely benign (4). Last evaluated 2026-03-23.

Conditions:
Donnai-Barrow syndrome. Also called: FACIOOCULOACOUSTICORENAL SYNDROME; DBS/FOAR SYNDROME. Identifiers: Orphanet 2143, MedGen C1857277, MONDO:0009104, OMIM 222448.
LRP2-related disorder. Also called: LRP2-related condition.

Allele frequency attached by ClinVar (database versions not stated): 1000 Genomes Project 0.00100; gnomAD 0.00101 and 0.00111; TOPMed 0.00112; ESP Exome Variant Server 0.00115; 1000 Genomes Project 30x 0.00125.
gnomAD v4.1: 325 of 1,614,006 alleles (0.02%); highest among the groups gnomAD compares: African/African-American, 0.37%; no homozygotes.

Submissions (5):

GeneDx
Classification: Uncertain significance. Last evaluated: 2026-03-23. Review status: criteria provided, single submitter. Criteria: GeneDx Variant Classification Process June 2021. Collection method: clinical testing. Allele origin: germline.
Comment: Observed with a missense variant on the opposite allele (in trans) in a patient with hypoplastic left heart syndrome, however variants in other possibly causative genes were also identified (PMID: 33006316); In silico analysis suggests that this missense variant does not alter protein structure/function; This variant is associated with the following publications: (PMID: 33006316)

Labcorp Genetics (formerly Invitae), Labcorp
Classification: Likely benign. Last evaluated: 2026-02-01. Review status: criteria provided, single submitter. Criteria: Invitae Variant Classification Sherloc (09022015). Collection method: clinical testing. Allele origin: germline.

PreventionGenetics, part of Exact Sciences
Classification: Likely benign for LRP2-related condition. Last evaluated: 2024-11-14. Review status: criteria provided, single submitter. Criteria: ACMG Guidelines, 2015. Collection method: clinical testing. Allele origin: germline.
Comment: This variant is classified as likely benign based on ACMG/AMP sequence variant interpretation guidelines (Richards et al. 2015 PMID: 25741868, with internal and published modifications).

Blueprint Genetics
Classification: Likely benign. Last evaluated: 2024-08-12. Review status: criteria provided, single submitter. Criteria: ACMG Guidelines, 2015. Collection method: clinical testing. Allele origin: germline.

Illumina Laboratory Services, Illumina
Classification: Likely benign for Donnai-Barrow syndrome. Last evaluated: 2018-01-12. Review status: criteria provided, single submitter. Criteria: ICSL Variant Classification Criteria 13 December 2019. Collection method: clinical testing. Allele origin: germline.
Comment: This variant was observed in the ICSL laboratory as part of a predisposition screen in an ostensibly healthy population. It had not been previously curated by ICSL or reported in the Human Gene Mutation Database (HGMD: prior to June 1st, 2018), and was therefore a candidate for classification through an automated scoring system. Utilizing variant allele frequency, disease prevalence and penetrance estimates, and inheritance mode, an automated score was calculated to assess if this variant is too frequent to cause the disease. Based on the score and internal cut-off values, a variant classified as likely benign is not then subjected to further curation. The score for this variant resulted in a classification of likely benign for this disease.

NM_004525.3(LRP2):c.170C>T (p.Ala57Val)

Gene: LRP2 (LDL receptor related protein 2; minus strand). Cytogenetic location: 2q31.1.
Variant type: single nucleotide variant.
Coding change: c.170C>T on transcript NM_004525.3 (MANE Select); coding-DNA position 170, C replaced by T.
Protein change: p.Ala57Val; replaces alanine 57 with valine.
Molecular consequence: missense variant.
Genome position (GRCh38, 1-based): chr2:169,320,794, G>A on the plus strand (C>T on the coding strand, the complement: LRP2 is on the minus strand). VCF-style: chr2-169320794-G-A. GRCh37 (hg19) VCF-style: chr2-170177304-G-A.
Other names: short protein forms A57V.
Identifiers: ClinVar variation 332207 (VCV000332207.19), dbSNP rs115350461, ClinGen allele CA1955978.